The following is an entry in ClinVar:

NM_001848.3(COL6A1):c.1003-3C>G

Gene: COL6A1 (collagen type VI alpha 1 chain; plus strand). Cytogenetic location: 21q22.3.
Variant type: single nucleotide variant.
Coding change: c.1003-3C>G on transcript NM_001848.3 (MANE Select); 3 bases into the intron before coding-DNA position 1003, C replaced by G.
Molecular consequence: intron variant.
Genome position (GRCh38, 1-based): chr21:45,990,770, C>G. VCF-style: chr21-45990770-C-G. GRCh37 (hg19) VCF-style: chr21-47410684-C-G.
Identifiers: ClinVar variation 1419596 (VCV001419596.6), dbSNP rs1171069767, ClinGen allele CA2573157630.

ClinVar aggregate classification (germline): Uncertain significance (1 of 4 stars; one submission).

Conditions:
Bethlem myopathy 1A. Also called: MYOPATHY, BENIGN CONGENITAL, WITH CONTRACTURES; Bethlem Muscular Dystrophy; Bethlem myopathy 1. Identifiers: Orphanet 610, MedGen CN029274, MONDO:0024530, OMIM 158810.

Submission:

Labcorp Genetics (formerly Invitae), Labcorp
Classification: Uncertain significance for Bethlem myopathy 1A. Last evaluated: 2025-06-03. Review status: criteria provided, single submitter. Criteria: Invitae Variant Classification Sherloc (09022015). Collection method: clinical testing. Allele origin: germline.
Comment: This sequence change falls in intron 13 of the COL6A1 gene. It does not directly change the encoded amino acid sequence of the COL6A1 protein. It affects a nucleotide within the consensus splice site. This variant is not present in population databases (gnomAD no frequency). This variant has been observed in individual(s) with clinical features of type VI collagenopathies (internal data). ClinVar contains an entry for this variant (Variation ID: 1419596). Variants that disrupt the consensus splice site are a relatively common cause of aberrant splicing (PMID: 17576681, 9536098). Algorithms developed to predict the effect of sequence changes on RNA splicing suggest that this variant may disrupt the consensus splice site. This variant disrupts the c.1003-3C nucleotide in the COL6A1 gene. Other variant(s) that disrupt this nucleotide have been determined to be pathogenic (PMID: 15689448; internal data). This suggests that this nucleotide is clinically significant, and that variants that disrupt this position are likely to be disease-causing. In summary, the available evidence is currently insufficient to determine the role of this variant in disease. Therefore, it has been classified as a Variant of Uncertain Significance.

Literature cited by the submitters: PubMed 17576681; PubMed 9536098; PubMed 15689448.